The following is an entry in ClinVar:

NM_152617.4(RNF168):c.212_213del (p.Leu71fs)

Gene: RNF168 (ring finger protein 168; minus strand). Cytogenetic location: 3q29.
Variant type: Microsatellite.
Coding change: c.212_213del on transcript NM_152617.4 (MANE Select); coding-DNA positions 212 to 213, 2 bases deleted (TC; older notation c.212_213delTC).
Protein change: p.Leu71fs; shifts the reading frame from leucine 71.
Molecular consequence: frameshift variant.
Genome position (GRCh38, 1-based): chr3:196,502,961-196,502,962, GA deleted on the plus strand (TC on the coding strand, the reverse complement: RNF168 is on the minus strand); deleting any 2 consecutive bases within chr3:196,502,961-196,502,966 gives the same sequence; the c. name uses the placement nearest the transcript's 3' end. VCF-style (leftmost placement, unchanged base first): chr3-196502960-CGA-C. GRCh37 (hg19) VCF-style: chr3-196229831-CGA-C.
Other names: short protein forms L71fs.
Identifiers: ClinVar variation 4777058 (VCV004777058.1).

ClinVar aggregate classification (germline): Pathogenic (1 of 4 stars; one submission).

Submission:

Labcorp Genetics (formerly Invitae), Labcorp
Classification: Pathogenic. Last evaluated: 2025-10-21. Review status: criteria provided, single submitter. Criteria: Invitae Variant Classification Sherloc (09022015). Collection method: clinical testing. Allele origin: germline.
Comment: This sequence change creates a premature translational stop signal (p.Leu71Argfs*20) in the RNF168 gene. It is expected to result in an absent or disrupted protein product. Loss-of-function variants in RNF168 are known to be pathogenic (PMID: 19203578, 21394101). This variant is present in population databases (no rsID available, gnomAD 0.009%). This variant has not been reported in the literature in individuals affected with RNF168-related conditions. For these reasons, this variant has been classified as Pathogenic.

Literature cited by the submitters: PubMed 19203578; PubMed 21394101.